The following is an entry in ClinVar:

NM_002474.3(MYH11):c.5485C>A (p.Gln1829Lys)

Genes: NDE1 (nudE neurodevelopment protein 1; plus strand), MYH11 (myosin heavy chain 11; minus strand). Cytogenetic location: 16p13.11.
Variant type: single nucleotide variant.
Coding change: c.5485C>A on transcript NM_002474.3 (MANE Select); coding-DNA position 5485, C replaced by A.
Protein change: p.Gln1829Lys; replaces glutamine 1829 with lysine.
Molecular consequence: missense variant. On other transcripts: intron variant (2).
Genome position (GRCh38, 1-based): chr16:15,717,159, G>T on the plus strand (C>A on the coding strand, the complement: MYH11 is on the minus strand). VCF-style: chr16-15717159-G-T. GRCh37 (hg19) VCF-style: chr16-15811016-G-T.
Other names: c.5506C>A, p.Gln1836Lys (NM_001040113.2, NM_001040114.2); c.5485C>A, p.Gln1829Lys (NM_022844.3); c.948-7032G>T (NM_001143979.2, NM_017668.3); short protein forms Q1829K, Q1836K.
Identifiers: ClinVar variation 884830 (VCV000884830.14), dbSNP rs1005977032, ClinGen allele CA394848798.

ClinVar aggregate classification (germline): Uncertain significance. Review status: criteria provided, multiple submitters, no conflicts (2 of 4 stars). 5 submissions from 5 submitters: Uncertain significance (5). Last evaluated 2025-01-20.

Conditions:
Familial thoracic aortic aneurysm and aortic dissection (TAAD). Also called: Thoracic aortic aneurysms and dissections. Identifiers: Orphanet 91387, MedGen C4707243, MONDO:0019625.
Aortic aneurysm, familial thoracic 4 (AAT4). Also called: AORTIC ANEURYSM/AORTIC DISSECTION AND PATENT DUCTUS ARTERIOSUS. Identifiers: MedGen C1851504, MONDO:0007568, OMIM 132900.

Allele frequency attached by ClinVar (database versions not stated): gnomAD exomes below 0.00001.
gnomAD v4.1: 8 of 1,614,164 alleles (0.0005%); highest among the groups gnomAD compares: African/African-American, 0.0013%; no homozygotes.

Submissions (5):

Labcorp Genetics (formerly Invitae), Labcorp
Classification: Uncertain significance for Aortic aneurysm, familial thoracic 4. Last evaluated: 2025-01-20. Review status: criteria provided, single submitter. Criteria: Invitae Variant Classification Sherloc (09022015). Collection method: clinical testing. Allele origin: germline.
Comment: This sequence change replaces glutamine, which is neutral and polar, with lysine, which is basic and polar, at codon 1836 of the MYH11 protein (p.Gln1836Lys). The frequency data for this variant in the population databases is considered unreliable, as metrics indicate poor data quality at this position in the gnomAD database. This variant has not been reported in the literature in individuals affected with MYH11-related conditions. ClinVar contains an entry for this variant (Variation ID: 884830). Invitae Evidence Modeling of protein sequence and biophysical properties (such as structural, functional, and spatial information, amino acid conservation, physicochemical variation, residue mobility, and thermodynamic stability) indicates that this missense variant is not expected to disrupt MYH11 protein function with a negative predictive value of 95%. In summary, the available evidence is currently insufficient to determine the role of this variant in disease. Therefore, it has been classified as a Variant of Uncertain Significance.

All of Us Research Program, National Institutes of Health
Classification: Uncertain significance for Familial thoracic aortic aneurysm and aortic dissection. Last evaluated: 2024-06-11. Review status: criteria provided, single submitter. Criteria: ACMG Guidelines, 2015. Collection method: clinical testing. Allele origin: germline. Inheritance: Autosomal dominant inheritance. Observed: 3 variant alleles, 3 heterozygotes.
Comment: This missense variant replaces glutamine with lysine at codon 1836 of the MYH11 protein. Computational prediction is inconclusive regarding the impact of this variant on protein structure and function (internally defined REVEL score threshold 0.5 < inconclusive < 0.7, PMID: 27666373). To our knowledge, functional studies have not been reported for this variant. This variant has not been reported in individuals affected with cardiovascular disorders in the literature. This variant has been identified in 1/251218 chromosomes in the general population by the Genome Aggregation Database (gnomAD). The available evidence is insufficient to determine the role of this variant in disease conclusively. Therefore, this variant is classified as a Variant of Uncertain Significance.

This study involves interpretation of variants in research participants for the purpose of population health screening. Participant phenotype was not available at the time of variant classification. Additional details can be found in publication PMID: 35346344, PMCID: PMC8962531

Color Diagnostics, LLC DBA Color Health
Classification: Uncertain significance for Familial thoracic aortic aneurysm and aortic dissection. Last evaluated: 2024-03-06. Review status: criteria provided, single submitter. Criteria: ACMG Guidelines, 2015. Collection method: clinical testing. Allele origin: germline.
Comment: This missense variant replaces glutamine with lysine at codon 1836 of the MYH11 protein. Computational prediction is inconclusive regarding the impact of this variant on protein structure and function (internally defined REVEL score threshold 0.5 < inconclusive < 0.7, PMID: 27666373). To our knowledge, functional studies have not been reported for this variant. This variant has not been reported in individuals affected with cardiovascular disorders in the literature. This variant has been identified in 1/251218 chromosomes in the general population by the Genome Aggregation Database (gnomAD). The available evidence is insufficient to determine the role of this variant in disease conclusively. Therefore, this variant is classified as a Variant of Uncertain Significance.

Ambry Genetics
Classification: Uncertain significance for Familial thoracic aortic aneurysm and aortic dissection. Last evaluated: 2024-02-09. Review status: criteria provided, single submitter. Criteria: Ambry Variant Classification Scheme 2023. Collection method: clinical testing. Allele origin: germline.
Comment: The p.Q1829K variant (also known as c.5485C>A), located in coding exon 37 of the MYH11 gene, results from a C to A substitution at nucleotide position 5485. The glutamine at codon 1829 is replaced by lysine, an amino acid with similar properties. This amino acid position is conserved. In addition, the in silico prediction for this alteration is inconclusive. Based on the available evidence, the clinical significance of this alteration remains unclear.

Illumina Laboratory Services, Illumina
Classification: Uncertain significance for Aortic aneurysm, familial thoracic 4. Last evaluated: 2018-01-12. Review status: criteria provided, single submitter. Criteria: ICSL Variant Classification Criteria 13 December 2019. Collection method: clinical testing. Allele origin: germline.